The following is an entry in ClinVar:

NM_006929.5(SKIC2):c.3310C>T (p.Arg1104Trp)

Gene: SKIC2 (SKI2 subunit of superkiller complex; plus strand). Cytogenetic location: 6p21.33.
Variant type: single nucleotide variant.
Coding change: c.3310C>T on transcript NM_006929.5 (MANE Select); coding-DNA position 3310, C replaced by T.
Protein change: p.Arg1104Trp; replaces arginine 1104 with tryptophan.
Molecular consequence: missense variant.
Genome position (GRCh38, 1-based): chr6:31,969,000, C>T. VCF-style: chr6-31969000-C-T. GRCh37 (hg19) VCF-style: chr6-31936777-C-T.
Other names: short protein forms R1104W.
Identifiers: ClinVar variation 356348 (VCV000356348.8), dbSNP rs780107431, ClinGen allele CA3730023.

ClinVar aggregate classification (germline): Uncertain significance. Review status: criteria provided, multiple submitters, no conflicts (2 of 4 stars). 3 submissions from 3 submitters: Uncertain significance (3). Last evaluated 2025-11-20.

Conditions:
Trichohepatoenteric syndrome 2 (THES2). Identifiers: Orphanet 84064, MedGen C3281289, MONDO:0013818, OMIM 614602.
Inborn genetic diseases. Identifiers: MedGen C0950123, MeSH D030342.

Allele frequency attached by ClinVar (database versions not stated): gnomAD 0.00001 and 0.00002; TOPMed 0.00002; ExAC 0.00005; gnomAD exomes 0.00005.
gnomAD v4.1: 24 of 1,612,724 alleles (0.0015%); highest among the groups gnomAD compares: South Asian, 0.018%; no homozygotes.

Submissions (3):

Ambry Genetics
Classification: Uncertain significance for Inborn genetic diseases. Last evaluated: 2025-11-20. Review status: criteria provided, single submitter. Criteria: Ambry Variant Classification Scheme 2023. Collection method: clinical testing. Allele origin: germline.

Labcorp Genetics (formerly Invitae), Labcorp
Classification: Uncertain significance. Last evaluated: 2025-05-12. Review status: criteria provided, single submitter. Criteria: Invitae Variant Classification Sherloc (09022015). Collection method: clinical testing. Allele origin: germline.
Comment: This sequence change replaces arginine, which is basic and polar, with tryptophan, which is neutral and slightly polar, at codon 1104 of the SKIV2L protein (p.Arg1104Trp). This variant is present in population databases (rs780107431, gnomAD 0.03%). This variant has not been reported in the literature in individuals affected with SKIV2L-related conditions. ClinVar contains an entry for this variant (Variation ID: 356348). An algorithm developed to predict the effect of missense changes on protein structure and function (PolyPhen-2) suggests that this variant is likely to be disruptive. In summary, the available evidence is currently insufficient to determine the role of this variant in disease. Therefore, it has been classified as a Variant of Uncertain Significance.

Illumina Laboratory Services, Illumina
Classification: Uncertain significance for Trichohepatoenteric syndrome 2. Last evaluated: 2018-01-13. Review status: criteria provided, single submitter. Criteria: ICSL Variant Classification Criteria 13 December 2019. Collection method: clinical testing. Allele origin: germline.